The following is an entry in ClinVar:

ClinVar aggregate classification (germline): Likely pathogenic. Review status: criteria provided, multiple submitters, no conflicts (2 of 4 stars). 5 submissions from 5 submitters: Likely pathogenic (5). Last evaluated 2025-02-10.

Conditions:
Cardiovascular phenotype. Identifiers: MedGen CN230736.
Primary familial dilated cardiomyopathy (FDC). Also called: Familial dilated cardiomyopathy; Hypokinetic dilated cardiomyopathy, familial. Identifiers: Orphanet 217607, MedGen C0340427, MONDO:0016333.
Autosomal recessive limb-girdle muscular dystrophy type 2J (LGMDR10). Also called: Limb-girdle muscular dystrophy, type 2J; MUSCULAR DYSTROPHY, LIMB-GIRDLE, AUTOSOMAL RECESSIVE 10. Identifiers: Orphanet 140922, MedGen C1837342, MONDO:0012127, OMIM 608807.
Dilated cardiomyopathy 1G (CMD1G). Identifiers: Orphanet 154, MedGen C1858763, MONDO:0011400, OMIM 604145.
Primary dilated cardiomyopathy (DCM). Also called: Dilated Cardiomyopathy. Identifiers: Orphanet 217604, MedGen C0007193, MeSH D002311, MONDO:0005021, HP:0001644. Inheritance: Various modes of inheritance.
Tibial muscular dystrophy (TMD). Also called: Udd Distal Myopathy – Tibial Muscular Dystrophy; Tibial muscular dystrophy, tardive; UDD MYOPATHY. Identifiers: Orphanet 609, MedGen C1838244, MONDO:0010870, OMIM 600334.
Myopathy, myofibrillar, 9, with early respiratory failure (MFM9). Also called: Hereditary myopathy with early respiratory failure; EDSTROM MYOPATHY; MYOPATHY, PROXIMAL, WITH EARLY RESPIRATORY MUSCLE INVOLVEMENT; Myopathy, distal, with early respiratory failure, autosomal dominant. Identifiers: Orphanet 178464, Orphanet 34521, MedGen C1863599, MONDO:0011362, OMIM 603689.
Hypertrophic cardiomyopathy 9. Also called: Familial hypertrophic cardiomyopathy 9. Identifiers: MedGen C1861065, MONDO:0013412, OMIM 613765.
Early-onset myopathy with fatal cardiomyopathy (CMYO5). Also called: Salih Myopathy; CONGENITAL MYOPATHY 5 WITH CARDIOMYOPATHY. Identifiers: Orphanet 289377, MedGen C2673677, MONDO:0012714, OMIM 611705. Disease mechanism: loss of function.

Allele frequency attached by ClinVar (database versions not stated): gnomAD 0.00001.
gnomAD v4.1: 2 of 1,613,572 alleles (0.00012%); highest among the groups gnomAD compares: Non-Finnish European, 0.000085%; no homozygotes.

Submissions (5):

Women's Health and Genetics/Laboratory Corporation of America, LabCorp
Classification: Likely pathogenic for Primary familial dilated cardiomyopathy. Last evaluated: 2025-02-10. Review status: criteria provided, single submitter. Criteria: LabCorp Variant Classification Summary - May 2015. Collection method: clinical testing. Allele origin: germline.
Comment: Variant summary: TTN c.74821C>T (p.Arg24941X), also reported as p.Arg18444X, results in a premature termination codon, predicted to cause a truncation of the encoded protein or absence of the protein due to nonsense mediated decay, which are commonly known mechanisms for disease. Loss of function variants in all TTN bands are strongly associated with a spectrum of autosomal recessive titinopathies when exon expression (proportion spliced in, PSI, 1=complete expression) in skeletal muscle is >0.1 (PMID: 36977548, 39198997, 29598826, 32778822, 29691892, 33449170, 36977548, internal data). In contrast, loss of function variants in all TTN bands are only strongly associated with autosomal dominant TTN-related cardiomyopathies if located in exons constitutively expressed (PSI >0.9) in cardiac muscle, excluding extreme C-terminal exons 359-363 (PMID: 25589632, 31216868, 32964742, 34662387, 27869827, Shetty et al., Nat Cardiovasc Res 2024,, internal data). This variant has a maximum skeletal muscle PSI of 0.968 and a maximum cardiac muscle PSI of 1.000. The variant was absent in 248840 control chromosomes. c.74821C>T has been reported in the literature in individuals affected with clinical features of Dilated Cardiomyopathy and left ventricular non-compaction (example, Mazzarotoo_2021, Ravi_2022, Bourfiss_2022, Paldino_2022). To our knowledge, no experimental evidence demonstrating an impact on protein function has been reported. The following publications have been ascertained in the context of this evaluation (PMID: 33500567, 35629941, 36264615, 36396199). ClinVar contains an entry for this variant (Variation ID: 667023). Based on the evidence outline above, the variant has been classified as Likely Pathogenic for both autosomal dominant and autosomal recessive TTN-related conditions.

Labcorp Genetics (formerly Invitae), Labcorp
Classification: Likely pathogenic for Dilated cardiomyopathy 1G; Autosomal recessive limb-girdle muscular dystrophy type 2J. Last evaluated: 2024-12-05. Review status: criteria provided, single submitter. Criteria: Invitae Variant Classification Sherloc (09022015). Collection method: clinical testing. Allele origin: germline.
Comment: This sequence change creates a premature translational stop signal (p.Arg27509*) in the TTN gene. While this is not anticipated to result in nonsense mediated decay, it is expected to create a truncated TTN protein. This variant is not present in population databases (gnomAD no frequency). This premature translational stop signal has been observed in individual(s) with left ventricular non-compaction, dilated cardiomyopathy (PMID: 33500567, 35629941, 36396199). This variant is also known as c.C55330T (p.R18444*). ClinVar contains an entry for this variant (Variation ID: 667023). This variant is located in the A band of TTN (PMID: 25589632). Truncating variants in this region are significantly overrepresented in patients affected with dilated cardiomyopathy (PMID: 25589632). Truncating variants in this region have also been reported in individuals affected with autosomal recessive centronuclear myopathy (PMID: 23975875). In summary, the currently available evidence indicates that the variant is pathogenic, but additional data are needed to prove that conclusively. Therefore, this variant has been classified as Likely Pathogenic.

Fulgent Genetics
Classification: Likely pathogenic for Tibial muscular dystrophy; Myopathy, myofibrillar, 9, with early respiratory failure; Dilated cardiomyopathy 1G; Autosomal recessive limb-girdle muscular dystrophy type 2J; Early-onset myopathy with fatal cardiomyopathy; Hypertrophic cardiomyopathy 9. Last evaluated: 2021-10-09. Review status: criteria provided, single submitter. Criteria: ACMG Guidelines, 2015. Collection method: clinical testing. Allele origin: unknown.

Ambry Genetics
Classification: Likely pathogenic for Cardiovascular phenotype. Last evaluated: 2020-07-27. Review status: criteria provided, single submitter. Criteria: Ambry Variant Classification Scheme 2023. Collection method: clinical testing. Allele origin: germline.
Comment: The p.R18444* variant (also known as c.55330C>T), located in coding exon 153 of the TTN gene, results from a C to T substitution at nucleotide position 55330. This changes the amino acid from an arginine to a stop codon within coding exon 153. This exon is located in the A-band region of the N2-B isoform of the titin protein and is constitutively expressed in TTN transcripts (percent spliced in or PSI 100%). This alteration is expected to result in loss of function by premature protein truncation or nonsense-mediated mRNA decay. While truncating variants in TTN are present in 1-3% of the general population, truncating variants in the A-band are the most common cause of dilated cardiomyopathy (DCM) (Herman DS et al. N. Engl. J. Med., 2012 Feb;366:619-28; Roberts AM et al. Sci Transl Med, 2015 Jan;7:270ra6). TTN truncating variants encoded in constitutive exons (PSI >90%) have been found to be significantly associated with DCM regardless of their position in titin (Schafer S et al. Nat. Genet., 2017 01;49:46-53). As such, this alteration is classified as likely pathogenic.

Laboratory for Molecular Medicine, Mass General Brigham Personalized Medicine
Classification: Likely pathogenic for Primary dilated cardiomyopathy. Last evaluated: 2018-07-13. Review status: criteria provided, single submitter. Criteria: LMM Criteria. Collection method: clinical testing. Allele origin: germline. Observed: 1 variant allele.
Comment: The p.Arg24941X variant in TTN has not been previously reported in individuals w ith DCM and was absent from large population studies. This variant has been repo rted in ClinVar (Variation ID 500011). This nonsense variant leads to a prematur e termination codon at position 24941, which is predicted to lead to a truncated or absent protein. Nonsense and other truncating variants in TTN are strongly a ssociated with DCM if they impact the exons encoding for the A-band (Herman 2012 , Pugh 2014) and/or are located in an exon that is highly expressed in the heart (Roberts 2015). The p.Arg24941X variant is located in A-band in the highly expr essed exon 275. In summary, although additional studies are required to fully es tablish its clinical significance, the p.Arg24941X variant is likely pathogenic. ACMG/AMP criteria applied: PVS1, PM2.

Literature cited by the submitters: PubMed 33500567 (cited by Women's Health and Genetics/Laboratory Corporation of America, LabCorp and Labcorp Genetics (formerly Invitae), Labcorp); PubMed 35629941 (cited by Women's Health and Genetics/Laboratory Corporation of America, LabCorp and Labcorp Genetics (formerly Invitae), Labcorp); PubMed 36264615 (cited by Women's Health and Genetics/Laboratory Corporation of America, LabCorp); PubMed 36396199 (cited by Women's Health and Genetics/Laboratory Corporation of America, LabCorp and Labcorp Genetics (formerly Invitae), Labcorp); PubMed 25589632 (cited by Labcorp Genetics (formerly Invitae), Labcorp); PubMed 23975875 (cited by Labcorp Genetics (formerly Invitae), Labcorp).

NM_001267550.2(TTN):c.82525C>T (p.Arg27509Ter)

Genes: TTN (titin; minus strand), TTN-AS1 (TTN antisense RNA 1; plus strand). Cytogenetic location: 2q31.2.
Variant type: single nucleotide variant.
Coding change: c.82525C>T on transcript NM_001267550.2 (MANE Select); coding-DNA position 82525, C replaced by T.
Protein change: p.Arg27509Ter; replaces arginine 27509 with a stop codon.
Molecular consequence: nonsense.
Genome position (GRCh38, 1-based): chr2:178,563,607, G>A on the plus strand (C>T on the coding strand, the complement: TTN is on the minus strand). VCF-style: chr2-178563607-G-A. GRCh37 (hg19) VCF-style: chr2-179428334-G-A.
Other names: c.77602C>T, p.Arg25868Ter (NM_001256850.1); c.55330C>T, p.Arg18444Ter (NM_003319.4); c.74821C>T, p.Arg24941Ter (NM_133378.4); c.55705C>T, p.Arg18569Ter (NM_133432.3); c.55906C>T, p.Arg18636Ter (NM_133437.4); short protein forms R18444*, R25868*, R27509*, R18569*, R24941*, R18636*.
Identifiers: ClinVar variation 667023 (VCV000667023.14), dbSNP rs1575649368, ClinGen allele CA349573091.